The following is an entry in ClinVar:

ClinVar aggregate classification (germline): Uncertain significance. Review status: criteria provided, multiple submitters, no conflicts (2 of 4 stars). 3 submissions from 3 submitters: Uncertain significance (3). Last evaluated 2024-02-24.

Conditions:
Age related macular degeneration 1 (ARMD1). Also called: MACULOPATHY, AGE-RELATED, 1. Identifiers: MedGen C1864205, MONDO:0011285, OMIM 603075.

Allele frequency attached by ClinVar (database versions not stated): TOPMed below 0.00001; gnomAD 0.00001; gnomAD exomes 0.00001; ExAC 0.00002; 1000 Genomes Project 30x 0.00016; 1000 Genomes Project 0.00020.
gnomAD v4.1: 20 of 1,612,922 alleles (0.0012%); highest among the groups gnomAD compares: East Asian, 0.022%; no homozygotes.

Submissions (3):

Labcorp Genetics (formerly Invitae), Labcorp
Classification: Uncertain significance. Last evaluated: 2024-02-24. Review status: criteria provided, single submitter. Criteria: Invitae Variant Classification Sherloc (09022015). Collection method: clinical testing. Allele origin: germline.
Comment: This sequence change replaces valine, which is neutral and non-polar, with methionine, which is neutral and non-polar, at codon 2084 of the HMCN1 protein (p.Val2084Met). This variant is present in population databases (rs577324065, gnomAD 0.006%). This variant has not been reported in the literature in individuals affected with HMCN1-related conditions. ClinVar contains an entry for this variant (Variation ID: 1984221). An algorithm developed to predict the effect of missense changes on protein structure and function (PolyPhen-2) suggests that this variant is likely to be disruptive. In summary, the available evidence is currently insufficient to determine the role of this variant in disease. Therefore, it has been classified as a Variant of Uncertain Significance.

Genome-Nilou Lab
Classification: Uncertain significance for Age related macular degeneration 1. Last evaluated: 2023-04-11. Review status: criteria provided, single submitter. Criteria: ACMG Guidelines, 2015. Collection method: clinical testing. Allele origin: germline. Affected: no.

Ambry Genetics
Classification: Uncertain significance. Last evaluated: 2022-07-29. Review status: criteria provided, single submitter. Criteria: Ambry Variant Classification Scheme 2023. Collection method: clinical testing. Allele origin: germline.

NM_031935.3(HMCN1):c.6250G>A (p.Val2084Met)

Gene: HMCN1 (hemicentin 1; plus strand). Cytogenetic location: 1q31.1.
Variant type: single nucleotide variant.
Coding change: c.6250G>A on transcript NM_031935.3 (MANE Select); coding-DNA position 6250, G replaced by A.
Protein change: p.Val2084Met; replaces valine 2084 with methionine.
Molecular consequence: missense variant.
Genome position (GRCh38, 1-based): chr1:186,041,082, G>A. VCF-style: chr1-186041082-G-A. GRCh37 (hg19) VCF-style: chr1-186010214-G-A.
Other names: short protein forms V2084M.
Identifiers: ClinVar variation 1984221 (VCV001984221.6), dbSNP rs577324065, ClinGen allele CA1292509.